The following is an entry in ClinVar:

NM_000254.3(MTR):c.2044-2A>T

Gene: MTR (5-methyltetrahydrofolate-homocysteine methyltransferase; plus strand). Cytogenetic location: 1q43.
Variant type: single nucleotide variant.
Coding change: c.2044-2A>T on transcript NM_000254.3 (MANE Select); the canonical splice acceptor site of the intron before coding-DNA position 2044, A replaced by T.
Molecular consequence: splice acceptor variant. On other transcripts: intron variant (1).
Genome position (GRCh38, 1-based): chr1:236,861,123, A>T. VCF-style: chr1-236861123-A-T. GRCh37 (hg19) VCF-style: chr1-237024423-A-T.
Other names: NC_000001.10:g.237024423A>T; c.2044-1113A>T (NM_001291939.1); c.2044-2A>T (NM_001410942.1); c.823-2A>T (NM_001291940.2).
Identifiers: ClinVar variation 1207335 (VCV001207335.5), dbSNP rs753703111, ClinGen allele CA1474285.
Genomic context (GRCh38, chr1:236,861,123, plus strand): 5'-TTTTAGGTGATTTTTTTTTTCTTTCTTTCTTTTTCTTTTTTTTTTTTTTTTGTCTTTTTT[A>T]GGGCATTGAAAAACATATTATTGAGGATACTGAGGAAGCCAGGTTAAACCAAAAAAAATA-3'

ClinVar aggregate classification (germline): Likely benign. Review status: criteria provided, multiple submitters, no conflicts (2 of 4 stars). 2 submissions from 2 submitters: Likely benign (2). Last evaluated 2019-08-22.

Submissions (8):

GeneDx
Classification: Likely benign. Last evaluated: 2019-08-22. Review status: criteria provided, single submitter. Criteria: GeneDx Variant Classification Process June 2021. Collection method: clinical testing. Allele origin: germline. Affected: yes.
Comment: This variant is associated with the following publications: (PMID: 30091983)

Breakthrough Genomics
Classification: Likely benign. Review status: criteria provided, single submitter. Criteria: ACMG Guidelines, 2015. Collection method: not provided. Allele origin: germline. Inheritance: Autosomal recessive inheritance. Affected: yes.

Dr. Peter K. Rogan Lab, Western University
No classification provided (evidence only). Condition: Familial cancer of breast. Review status: no classification provided. Collection method: in vitro. Allele origin: not applicable. Functional consequence: retained intron. Not counted in ClinVar's aggregate classification.

Dr. Peter K. Rogan Lab, Western University
No classification provided (evidence only). Condition: Thyroid cancer, nonmedullary, 1. Review status: no classification provided. Collection method: in vitro. Allele origin: not applicable. Functional consequence: skipped exon. Not counted in ClinVar's aggregate classification.

Dr. Peter K. Rogan Lab, Western University
No classification provided (evidence only). Condition: Nonpapillary renal cell carcinoma. Review status: no classification provided. Collection method: in vitro. Allele origin: not applicable. Functional consequence: retained intron. Not counted in ClinVar's aggregate classification.

Dr. Peter K. Rogan Lab, Western University
No classification provided (evidence only). Condition: Familial pancreatic carcinoma. Review status: no classification provided. Collection method: in vitro. Allele origin: not applicable. Functional consequence: retained intron. Not counted in ClinVar's aggregate classification.

Dr. Peter K. Rogan Lab, Western University
No classification provided (evidence only). Condition: Familial pancreatic carcinoma. Review status: no classification provided. Collection method: in vitro. Allele origin: not applicable. Functional consequence: retained intron. Not counted in ClinVar's aggregate classification.

Dr. Peter K. Rogan Lab, Western University
No classification provided (evidence only). Condition: Ovarian cancer. Review status: no classification provided. Collection method: in vitro. Allele origin: not applicable. Functional consequence: retained intron. Not counted in ClinVar's aggregate classification.